The following is an entry in ClinVar:

NM_001378120.1(MBD5):c.1385C>T (p.Ser462Leu)

Gene: MBD5 (methyl-CpG binding domain protein 5; plus strand). Cytogenetic location: 2q23.1.
Variant type: single nucleotide variant.
Coding change: c.1385C>T on transcript NM_001378120.1 (MANE Select); coding-DNA position 1385, C replaced by T.
Protein change: p.Ser462Leu; replaces serine 462 with leucine.
Molecular consequence: missense variant.
Genome position (GRCh38, 1-based): chr2:148,469,328, C>T. VCF-style: chr2-148469328-C-T. GRCh37 (hg19) VCF-style: chr2-149226897-C-T.
Other names: c.1385C>T, p.Ser462Leu (NM_018328.5); short protein forms S462L.
Identifiers: ClinVar variation 1803389 (VCV001803389.1), dbSNP rs1680708925, ClinGen allele CA348719576.

ClinVar aggregate classification (germline): Uncertain significance (1 of 4 stars; one submission).

Allele frequency attached by ClinVar (database versions not stated): gnomAD exomes below 0.00001; TOPMed below 0.00001; gnomAD 0.00001.
gnomAD v4.1: 2 of 1,613,648 alleles (0.00012%); highest among the groups gnomAD compares: Non-Finnish European, 0.00017%; no homozygotes.

Submission:

GeneDx
Classification: Uncertain significance. Last evaluated: 2022-06-08. Review status: criteria provided, single submitter. Criteria: GeneDx Variant Classification Process June 2021. Collection method: clinical testing. Allele origin: germline. Affected: yes.
Comment: Not observed at significant frequency in large population cohorts (gnomAD); In silico analysis supports that this missense variant does not alter protein structure/function; Has not been previously published as pathogenic or benign to our knowledge